The following is an entry in ClinVar:

ClinVar aggregate classification (germline): Conflicting classifications of pathogenicity. Review status: criteria provided, conflicting classifications (1 of 4 stars). 4 submissions from 4 submitters: Uncertain significance (3); Likely benign (1). Last evaluated 2026-01-13.

Conditions:
Neuropathy, hereditary sensory and autonomic, type 2A (HSAN2A). Also called: MORVAN DISEASE; NEUROPATHY, CONGENITAL SENSORY; NEUROPATHY, HEREDITARY SENSORY RADICULAR, AUTOSOMAL RECESSIVE; NEUROPATHY, HEREDITARY SENSORY, TYPE IIA; NEUROPATHY, PROGRESSIVE SENSORY, OF CHILDREN; HSAN IIA. Identifiers: Orphanet 970, MedGen C2752089, MONDO:0024309, OMIM 201300.
Neuropathy, hereditary sensory, type 2C. Also called: KIF1A-Related HSAN2 (HSAN2C); Hereditary sensory and autonomic neuropathy type IIC. Identifiers: Orphanet 970, MedGen C3280168, MONDO:0013634, OMIM 614213.
Intellectual disability, autosomal dominant 9 (NESCAVS). Also called: KIF1A-Related Neurodevelopmental Disorder; NESCAV SYNDROME. Identifiers: Orphanet 662367, MedGen C5393830, MONDO:0013656, OMIM 614255.
Hereditary spastic paraplegia 30. Identifiers: Orphanet 101010, MedGen C5235139, MONDO:0012476.

Allele frequency attached by ClinVar (database versions not stated): ExAC 0.00004; gnomAD 0.00005; TOPMed 0.00007; gnomAD exomes 0.00008 and 0.00010.

Submissions (4):

Labcorp Genetics (formerly Invitae), Labcorp
Classification: Likely benign for Hereditary spastic paraplegia 30; Neuropathy, hereditary sensory, type 2C; Intellectual disability, autosomal dominant 9. Last evaluated: 2026-01-13. Review status: criteria provided, single submitter. Criteria: Invitae Variant Classification Sherloc (09022015). Collection method: clinical testing. Allele origin: germline.

GeneDx
Classification: Uncertain significance. Last evaluated: 2025-07-22. Review status: criteria provided, single submitter. Criteria: GeneDx Variant Classification Process June 2021. Collection method: clinical testing. Allele origin: germline. Affected: yes.
Comment: In silico analysis suggests that this missense variant does not alter protein structure/function; Has not been previously published as pathogenic or benign to our knowledge; This variant is associated with the following publications: (PMID: 21376300, 21820098, 26125038)

Blueprint Genetics
Classification: Uncertain significance. Last evaluated: 2024-07-31. Review status: criteria provided, single submitter. Criteria: ACMG Guidelines, 2015. Collection method: clinical testing. Allele origin: germline.

Fulgent Genetics
Classification: Uncertain significance for Neuropathy, hereditary sensory and autonomic, type 2A; Spastic paraplegia 30A, autosomal dominant; Neuropathy, hereditary sensory, type 2C; Intellectual disability, autosomal dominant 9. Last evaluated: 2018-10-31. Review status: criteria provided, single submitter. Criteria: ACMG Guidelines, 2015. Collection method: clinical testing. Allele origin: unknown.

NM_001244008.2(KIF1A):c.5029G>A (p.Val1677Ile)

Gene: KIF1A (kinesin family member 1A; minus strand). Cytogenetic location: 2q37.3.
Variant type: single nucleotide variant.
Coding change: c.5029G>A on transcript NM_001244008.2 (MANE Select); coding-DNA position 5029, G replaced by A.
Protein change: p.Val1677Ile; replaces valine 1677 with isoleucine.
Molecular consequence: missense variant.
Genome position (GRCh38, 1-based): chr2:240,719,191, C>T on the plus strand (G>A on the coding strand, the complement: KIF1A is on the minus strand). VCF-style: chr2-240719191-C-T. GRCh37 (hg19) VCF-style: chr2-241658608-C-T.
Other names: c.4777G>A, p.Val1593Ile (NM_001379638.1); c.4750G>A, p.Val1584Ile (NM_001379639.1); c.4723G>A, p.Val1575Ile (NM_001379640.1); c.4726G>A, p.Val1576Ile (NM_001379641.1, NM_001379650.1, NM_001379651.1 and 2 more transcripts); c.5029G>A, p.Val1677Ile (NM_001379642.1); c.5002G>A, p.Val1668Ile (NM_001379645.1, NM_001379633.1); c.4852G>A, p.Val1618Ile (NM_001379646.1, NM_001379635.1); c.4828G>A, p.Val1610Ile (NM_001379648.1, NM_001330290.2); and 7 more; short protein forms V1576I, V1677I, V1585I, V1594I, V1610I, V1575I, V1584I, V1593I.
Identifiers: ClinVar variation 426987 (VCV000426987.18), dbSNP rs757070178, ClinGen allele CA2207190.